The following is an entry in ClinVar:

ClinVar aggregate classification (germline): Uncertain significance (1 of 4 stars; one submission).

Conditions:
Nephronophthisis. Also called: Juvenile Nephronophthisis. Identifiers: Orphanet 655, MedGen C0687120, MONDO:0019005, HP:0000090.

Allele frequency attached by ClinVar (database versions not stated): TOPMed below 0.00001.

Submission:

Labcorp Genetics (formerly Invitae), Labcorp
Classification: Uncertain significance for Nephronophthisis. Last evaluated: 2022-06-11. Review status: criteria provided, single submitter. Criteria: Invitae Variant Classification Sherloc (09022015). Collection method: clinical testing. Allele origin: germline.
Comment: This sequence change replaces isoleucine, which is neutral and non-polar, with threonine, which is neutral and polar, at codon 354 of the GLIS2 protein (p.Ile354Thr). This variant is not present in population databases (gnomAD no frequency). This variant has not been reported in the literature in individuals affected with GLIS2-related conditions. Algorithms developed to predict the effect of missense changes on protein structure and function are either unavailable or do not agree on the potential impact of this missense change (SIFT: "Deleterious"; PolyPhen-2: "Possibly Damaging"; Align-GVGD: "Class C0"). In summary, the available evidence is currently insufficient to determine the role of this variant in disease. Therefore, it has been classified as a Variant of Uncertain Significance.

NM_032575.3(GLIS2):c.1061T>C (p.Ile354Thr)

Gene: GLIS2 (GLIS family zinc finger 2; plus strand). Cytogenetic location: 16p13.3.
Variant type: single nucleotide variant.
Coding change: c.1061T>C on transcript NM_032575.3 (MANE Select); coding-DNA position 1061, T replaced by C.
Protein change: p.Ile354Thr; replaces isoleucine 354 with threonine.
Molecular consequence: missense variant.
Genome position (GRCh38, 1-based): chr16:4,337,010, T>C. VCF-style: chr16-4337010-T-C. GRCh37 (hg19) VCF-style: chr16-4387011-T-C.
Other names: c.1061T>C, p.Ile354Thr (NM_001318918.2); short protein forms I354T.
Identifiers: ClinVar variation 2004749 (VCV002004749.4), dbSNP rs934305633, ClinGen allele CA277077913.